The following is an entry in ClinVar:

NM_000051.4(ATM):c.3698C>A (p.Ser1233Tyr)

Gene: ATM (ATM serine/threonine kinase; plus strand). Cytogenetic location: 11q22.3.
Variant type: single nucleotide variant.
Coding change: c.3698C>A on transcript NM_000051.4 (MANE Select); coding-DNA position 3698, C replaced by A.
Protein change: p.Ser1233Tyr; replaces serine 1233 with tyrosine.
Molecular consequence: missense variant.
Genome position (GRCh38, 1-based): chr11:108,282,831, C>A. VCF-style: chr11-108282831-C-A. GRCh37 (hg19) VCF-style: chr11-108153558-C-A.
Other names: c.3698C>A, p.Ser1233Tyr (NM_001351834.2); short protein forms S1233Y.
Identifiers: ClinVar variation 1734009 (VCV001734009.2), dbSNP rs2546880184, ClinGen allele CA382523551.

ClinVar aggregate classification (germline): Uncertain significance (1 of 4 stars; one submission).

Conditions:
Hereditary cancer-predisposing syndrome. Also called: Neoplastic Syndromes, Hereditary; Tumor predisposition; Hereditary Cancer Syndrome; Hereditary neoplastic syndrome. Identifiers: Orphanet 140162, MedGen C0027672, MeSH D009386, MONDO:0015356.

Submission:

Ambry Genetics
Classification: Uncertain significance for Hereditary cancer-predisposing syndrome. Last evaluated: 2019-08-10. Review status: criteria provided, single submitter. Criteria: Ambry Variant Classification Scheme 2023. Collection method: clinical testing. Allele origin: germline.
Comment: The p.S1233Y variant (also known as c.3698C>A), located in coding exon 24 of the ATM gene, results from a C to A substitution at nucleotide position 3698. The serine at codon 1233 is replaced by tyrosine, an amino acid with dissimilar properties. This amino acid position is well conserved in available vertebrate species. In addition, the in silico prediction for this alteration is inconclusive. Since supporting evidence is limited at this time, the clinical significance of this alteration remains unclear.